The following is an entry in ClinVar:

NM_152564.5(VPS13B):c.1651+1G>T

Gene: VPS13B (vacuolar protein sorting 13 homolog B; plus strand). Cytogenetic location: 8q22.2.
Variant type: single nucleotide variant.
Coding change: c.1651+1G>T on transcript NM_152564.5 (MANE Select); the canonical splice donor site of the intron after coding-DNA position 1651, G replaced by T.
Molecular consequence: splice donor variant.
Genome position (GRCh38, 1-based): chr8:99,136,753, G>T. VCF-style: chr8-99136753-G-T. GRCh37 (hg19) VCF-style: chr8-100148981-G-T.
Other names: c.1651+1G>T (NM_017890.5, NM_015243.3, NM_152564.4).
Identifiers: ClinVar variation 3694929 (VCV003694929.3).

ClinVar aggregate classification (germline): Likely pathogenic. Review status: criteria provided, multiple submitters, no conflicts (2 of 4 stars). 2 submissions from 2 submitters: Likely pathogenic (2). Last evaluated 2025-08-26.

Conditions:
VPS13B-related disorder. Also called: VPS13B-related condition.
Cohen syndrome (COH1). Also called: Cutis verticis gyrata, retinitis pigmentosa, and sensorineural deafness; PEPPER SYNDROME. Identifiers: Orphanet 193, MedGen C0265223, MONDO:0008999, OMIM 216550.

gnomAD v4.1: 5 of 1,613,210 alleles (0.00031%); highest among the groups gnomAD compares: Non-Finnish European, 0.00042%; no homozygotes.

Submissions (2):

PreventionGenetics, part of Exact Sciences
Classification: Likely pathogenic for VPS13B-related condition. Last evaluated: 2025-08-26. Review status: criteria provided, single submitter. Criteria: ACMG Guidelines, 2015. Collection method: clinical testing. Allele origin: germline.
Comment: The VPS13B c.1651+1G>T variant is predicted to disrupt the GT donor site and interfere with normal splicing. To our knowledge, this variant has not been reported in the literature. This variant has not been reported in a large population database (gnomAD), indicating this variant is rare. Variants that disrupt the consensus splice donor site in VPS13B are expected to be pathogenic. This variant is interpreted as likely pathogenic.

Labcorp Genetics (formerly Invitae), Labcorp
Classification: Likely pathogenic for Cohen syndrome. Last evaluated: 2025-03-31. Review status: criteria provided, single submitter. Criteria: Invitae Variant Classification Sherloc (09022015). Collection method: clinical testing. Allele origin: germline.
Comment: This sequence change affects a donor splice site in intron 12 of the VPS13B gene. It is expected to disrupt RNA splicing. Variants that disrupt the donor or acceptor splice site typically lead to a loss of protein function (PMID: 16199547), and loss-of-function variants in VPS13B are known to be pathogenic (PMID: 15141358, 16648375, 20461111). This variant is not present in population databases (gnomAD no frequency). This variant has not been reported in the literature in individuals affected with VPS13B-related conditions. Algorithms developed to predict the effect of sequence changes on RNA splicing suggest that this variant may disrupt the consensus splice site. In summary, the currently available evidence indicates that the variant is pathogenic, but additional data are needed to prove that conclusively. Therefore, this variant has been classified as Likely Pathogenic.

Literature cited by the submitters: PubMed 16199547 (cited by Labcorp Genetics (formerly Invitae), Labcorp); PubMed 15141358 (cited by Labcorp Genetics (formerly Invitae), Labcorp); PubMed 16648375 (cited by Labcorp Genetics (formerly Invitae), Labcorp); PubMed 20461111 (cited by Labcorp Genetics (formerly Invitae), Labcorp).